The following is an entry in ClinVar:

NM_033198.4(PIGS):c.662_663del (p.Leu221fs)

Gene: PIGS (phosphatidylinositol glycan anchor biosynthesis class S; minus strand). Cytogenetic location: 17q11.2.
Variant type: Microsatellite.
Coding change: c.662_663del on transcript NM_033198.4 (MANE Select); coding-DNA positions 662 to 663, 2 bases deleted (TC; older notation c.662_663delTC).
Protein change: p.Leu221fs; shifts the reading frame from leucine 221.
Molecular consequence: frameshift variant.
Genome position (GRCh38, 1-based): chr17:28,561,435-28,561,436, GA deleted on the plus strand (TC on the coding strand, the reverse complement: PIGS is on the minus strand); deleting any 2 consecutive bases within chr17:28,561,435-28,561,439 gives the same sequence; the c. name uses the placement nearest the transcript's 3' end. VCF-style (leftmost placement, unchanged base first): chr17-28561434-TGA-T. GRCh37 (hg19) VCF-style: chr17-26888452-TGA-T.
Other names: c.662_663delTC (NM_033198.4); short protein forms L221fs.
Identifiers: ClinVar variation 3769036 (VCV003769036.1).
Genomic context (GRCh38, chr17:28,561,434, plus strand): 5'-ATGTAATTCATTTCCTCTCCCTTCATGTGGCAGAGCCTGGTGCCCTACCCAAGCTGGACT[TGA>T]GAGGCCGCCTCTTCTCAGCGCTCCACTTGTCCTCTGGAAGGTGGTCAGCCAGAGCAGCAG-3'

ClinVar aggregate classification (germline): Pathogenic (1 of 4 stars; one submission).

Conditions:
Glycosylphosphatidylinositol biosynthesis defect 18. Also called: DEVELOPMENTAL AND EPILEPTIC ENCEPHALOPATHY 95. Identifiers: MedGen C4748357, MONDO:0029140, OMIM 618143.

Submission:

Women's Health and Genetics/Laboratory Corporation of America, LabCorp
Classification: Pathogenic for Glycosylphosphatidylinositol biosynthesis defect 18. Last evaluated: 2025-02-14. Review status: criteria provided, single submitter. Criteria: LabCorp Variant Classification Summary - May 2015. Collection method: clinical testing. Allele origin: germline.
Comment: Variant summary: PIGS c.662_663delTC (p.Leu221GlnfsX7) results in a premature termination codon, predicted to cause a truncation of the encoded protein or absence of the protein due to nonsense mediated decay, which are commonly known mechanisms for disease. The variant allele was found at a frequency of 4e-06 in 250672 control chromosomes (gnomAD). To our knowledge, no occurrence of c.662_663delTC in individuals affected with Glycosylphosphatidylinositol Biosynthesis Defect 18 and no experimental evidence demonstrating its impact on protein function have been reported. No submitters have cited clinical-significance assessments for this variant to ClinVar. Based on the evidence outlined above, the variant was classified as pathogenic.